The following is an entry in ClinVar:

NM_020778.5(ALPK3):c.3238del (p.Asp1080fs)

Gene: ALPK3 (alpha kinase 3; plus strand). Cytogenetic location: 15q25.3.
Variant type: Deletion.
Coding change: c.3238del on transcript NM_020778.5 (MANE Select); coding-DNA position 3238, one base deleted (G; older notation c.3238delG).
Protein change: p.Asp1080fs; shifts the reading frame from aspartic acid 1080.
Molecular consequence: frameshift variant.
Genome position (GRCh38, 1-based): chr15:84,857,976, G deleted; the last of 2 consecutive G bases (chr15:84,857,975-84,857,976); deleting either gives the same sequence. VCF-style (leftmost placement, unchanged base first): chr15-84857974-AG-A. GRCh37 (hg19) VCF-style: chr15-85401205-AG-A.
Other names: short protein forms D1080fs.
Identifiers: ClinVar variation 1927164 (VCV001927164.5), dbSNP rs1225975689, ClinGen allele CA619855259.

ClinVar aggregate classification (germline): Pathogenic (1 of 4 stars; one submission).

Submission:

Labcorp Genetics (formerly Invitae), Labcorp
Classification: Pathogenic. Last evaluated: 2024-01-22. Review status: criteria provided, single submitter. Criteria: Invitae Variant Classification Sherloc (09022015). Collection method: clinical testing. Allele origin: germline.
Comment: This sequence change creates a premature translational stop signal (p.Asp1282Thrfs*54) in the ALPK3 gene. It is expected to result in an absent or disrupted protein product. Loss-of-function variants in ALPK3 are known to be pathogenic (PMID: 21441111, 26846950, 27106955, 34263907). This variant is present in population databases (no rsID available, gnomAD 0.003%). This variant has not been reported in the literature in individuals affected with ALPK3-related conditions. ClinVar contains an entry for this variant (Variation ID: 1927164). For these reasons, this variant has been classified as Pathogenic.

Literature cited by the submitters: PubMed 21441111; PubMed 26846950; PubMed 27106955; PubMed 34263907.